The following is an entry in ClinVar:

NM_182961.4(SYNE1):c.916G>A (p.Ala306Thr)

Gene: SYNE1 (spectrin repeat containing nuclear envelope protein 1; minus strand). Cytogenetic location: 6q25.2.
Variant type: single nucleotide variant.
Coding change: c.916G>A on transcript NM_182961.4 (MANE Select); coding-DNA position 916, G replaced by A.
Protein change: p.Ala306Thr; replaces alanine 306 with threonine.
Molecular consequence: missense variant.
Genome position (GRCh38, 1-based): chr6:152,498,765, C>T on the plus strand (G>A on the coding strand, the complement: SYNE1 is on the minus strand). VCF-style: chr6-152498765-C-T. GRCh37 (hg19) VCF-style: chr6-152819900-C-T.
Other names: c.937G>A, p.Ala313Thr (NM_033071.5); short protein forms A306T, A313T.
Identifiers: ClinVar variation 1720041 (VCV001720041.5), dbSNP rs754715013, ClinGen allele CA4059582.

ClinVar aggregate classification (germline): Uncertain significance (1 of 4 stars; one submission).

Conditions:
Emery-Dreifuss muscular dystrophy 4, autosomal dominant (EDMD4). Also called: EMERY-DREIFUSS MUSCULAR DYSTROPHY 4 WITH VARIABLE FEATURES. Identifiers: Orphanet 261, MedGen C2751807, MONDO:0013071, OMIM 612998.
Autosomal recessive ataxia, Beauce type. Also called: SYNE1-Related Autosomal Recessive Cerebellar Ataxia; SYNE1 Deficiency; Spinocerebellar ataxia, autosomal recessive 8; ATAXIA, RECESSIVE, OF BEAUCE. Identifiers: Orphanet 88644, MedGen C1853116, MONDO:0012549, OMIM 610743.

Allele frequency attached by ClinVar (database versions not stated): gnomAD exomes 0.00001; ExAC 0.00003.
gnomAD v4.1: 11 of 1,552,864 alleles (0.00071%); highest among the groups gnomAD compares: South Asian, 0.012%; no homozygotes.

Submission:

Labcorp Genetics (formerly Invitae), Labcorp
Classification: Uncertain significance for Emery-Dreifuss muscular dystrophy 4, autosomal dominant; Autosomal recessive ataxia, Beauce type. Last evaluated: 2022-09-23. Review status: criteria provided, single submitter. Criteria: Invitae Variant Classification Sherloc (09022015). Collection method: clinical testing. Allele origin: germline.
Comment: This sequence change replaces alanine, which is neutral and non-polar, with threonine, which is neutral and polar, at codon 313 of the SYNE1 protein (p.Ala313Thr). The frequency data for this variant in the population databases is considered unreliable, as metrics indicate poor data quality at this position in the gnomAD database. This variant has not been reported in the literature in individuals affected with SYNE1-related conditions. Algorithms developed to predict the effect of missense changes on protein structure and function output the following: SIFT: "Tolerated"; PolyPhen-2: "Benign"; Align-GVGD: "Class C0". The threonine amino acid residue is found in multiple mammalian species, which suggests that this missense change does not adversely affect protein function. In summary, the available evidence is currently insufficient to determine the role of this variant in disease. Therefore, it has been classified as a Variant of Uncertain Significance.